The following is an entry in ClinVar:

NM_001378418.1(TCF20):c.5599del (p.Leu1867fs)

Gene: TCF20 (transcription factor 20; minus strand). Cytogenetic location: 22q13.2.
Variant type: Deletion.
Coding change: c.5599del on transcript NM_001378418.1 (MANE Select); coding-DNA position 5599, one base deleted (C; older notation c.5599delC).
Protein change: p.Leu1867fs; shifts the reading frame from leucine 1867.
Molecular consequence: frameshift variant.
Genome position (GRCh38, 1-based): chr22:42,209,707, G deleted on the plus strand (C on the coding strand, the reverse complement: TCF20 is on the minus strand); the first of 2 consecutive G bases (chr22:42,209,707-42,209,708); deleting either gives the same sequence. VCF-style (leftmost placement, unchanged base first): chr22-42209706-AG-A. GRCh37 (hg19) VCF-style: chr22-42605712-AG-A.
Other names: c.5599del, p.Leu1867fs (NM_005650.4, NM_181492.3); short protein forms L1867fs.
Identifiers: ClinVar variation 2759222 (VCV002759222.3), dbSNP rs2518196909, ClinGen allele CA2697552794.
Genomic context (GRCh38, chr22:42,209,706, plus strand): 5'-CTCACCATCTCTCTGGCTATTTCCAGCGCTTCCTGCAGGCCATAGAGCCTGCCACAAACC[AG>A]GTAGATTCCATTGGCCCAGAGAATACAACCCTCATGGACCCAAAATTCATTGCTGTCAAG-3'

ClinVar aggregate classification (germline): Pathogenic (1 of 4 stars; one submission).

Submission:

Labcorp Genetics (formerly Invitae), Labcorp
Classification: Pathogenic. Last evaluated: 2025-07-14. Review status: criteria provided, single submitter. Criteria: Invitae Variant Classification Sherloc (09022015). Collection method: clinical testing. Allele origin: germline.
Comment: This sequence change creates a premature translational stop signal (p.Leu1867Trpfs*15) in the TCF20 gene. It is expected to result in an absent or disrupted protein product. Loss-of-function variants in TCF20 are known to be pathogenic (PMID: 30739909, 30819258). This variant is not present in population databases (gnomAD no frequency). This variant has not been reported in the literature in individuals affected with TCF20-related conditions. ClinVar contains an entry for this variant (Variation ID: 2759222). For these reasons, this variant has been classified as Pathogenic.

Literature cited by the submitters: PubMed 30739909; PubMed 30819258.